The following is an entry in ClinVar:

ClinVar aggregate classification (germline): Uncertain significance. Review status: criteria provided, multiple submitters, no conflicts (2 of 4 stars). 3 submissions from 3 submitters: Uncertain significance (3). Last evaluated 2024-09-17.

Conditions:
Immunodeficiency 31B. Also called: STAT1 DEFICIENCY, AUTOSOMAL RECESSIVE; IMMUNODEFICIENCY 31B, MYCOBACTERIAL AND VIRAL INFECTIONS, AUTOSOMAL RECESSIVE. Identifiers: Orphanet 391311, MedGen C3151088, MONDO:0013427, OMIM 613796.
Autoimmune enteropathy and endocrinopathy - susceptibility to chronic infections syndrome. Also called: Immunodeficiency 31C; Immunodeficiency 31C, autosomal dominant. Identifiers: Orphanet 391487, MedGen C3279990, MONDO:0013599, OMIM 614162.
Mendelian susceptibility to mycobacterial diseases due to partial STAT1 deficiency. Also called: Immunodeficiency 31a; IMMUNODEFICIENCY 31A, MYCOBACTERIOSIS, AUTOSOMAL DOMINANT; STAT1 DEFICIENCY, AUTOSOMAL DOMINANT. Identifiers: Orphanet 319595, MedGen C4013950, MONDO:0013956, OMIM 614892.

Allele frequency attached by ClinVar (database versions not stated): TOPMed below 0.00001; gnomAD 0.00001; gnomAD exomes 0.00001; ExAC 0.00002.
gnomAD v4.1: 5 of 1,614,086 alleles (0.00031%); highest among the groups gnomAD compares: Admixed American, 0.0083%; no homozygotes.

Submissions (3):

Labcorp Genetics (formerly Invitae), Labcorp
Classification: Uncertain significance for Mendelian susceptibility to mycobacterial diseases due to partial STAT1 deficiency; Immunodeficiency 31B; Autoimmune enteropathy and endocrinopathy - susceptibility to chronic infections syndrome. Last evaluated: 2024-09-17. Review status: criteria provided, single submitter. Criteria: Invitae Variant Classification Sherloc (09022015). Collection method: clinical testing. Allele origin: germline.
Comment: This sequence change replaces isoleucine, which is neutral and non-polar, with valine, which is neutral and non-polar, at codon 582 of the STAT1 protein (p.Ile582Val). This variant is present in population databases (rs774306421, gnomAD 0.01%). This variant has not been reported in the literature in individuals affected with STAT1-related conditions. ClinVar contains an entry for this variant (Variation ID: 642183). An algorithm developed to predict the effect of missense changes on protein structure and function (PolyPhen-2) suggests that this variant is likely to be tolerated. In summary, the available evidence is currently insufficient to determine the role of this variant in disease. Therefore, it has been classified as a Variant of Uncertain Significance.

Mayo Clinic Laboratories, Mayo Clinic
Classification: Uncertain significance. Last evaluated: 2024-03-05. Review status: criteria provided, single submitter. Criteria: ACMG Guidelines, 2015. Collection method: clinical testing. Allele origin: germline. Observed: 1 variant allele.
Comment: PP2

AiLife Diagnostics
Classification: Uncertain significance. Last evaluated: 2021-06-30. Review status: criteria provided, single submitter. Criteria: ACMG Guidelines, 2015. Collection method: clinical testing. Allele origin: germline. Affected: yes. Observed: 1 variant allele.

NM_007315.4(STAT1):c.1744A>G (p.Ile582Val)

Gene: STAT1 (signal transducer and activator of transcription 1; minus strand). Cytogenetic location: 2q32.2.
Variant type: single nucleotide variant.
Coding change: c.1744A>G on transcript NM_007315.4 (MANE Select); coding-DNA position 1744, A replaced by G.
Protein change: p.Ile582Val; replaces isoleucine 582 with valine.
Molecular consequence: missense variant.
Genome position (GRCh38, 1-based): chr2:190,978,985, T>C on the plus strand (A>G on the coding strand, the complement: STAT1 is on the minus strand). VCF-style: chr2-190978985-T-C. GRCh37 (hg19) VCF-style: chr2-191843711-T-C.
Other names: p.Ile582Val; c.1684A>G, p.Ile562Val (NM_001384880.1); c.1750A>G, p.Ile584Val (NM_001384881.1, NM_001384884.1); c.1738A>G, p.Ile580Val (NM_001384882.1); c.1645A>G, p.Ile549Val (NM_001384883.1); c.1585A>G, p.Ile529Val (NM_001384885.1); c.1744A>G, p.Ile582Val (NM_001384886.1, NM_001384889.1, NM_139266.3); c.1651A>G, p.Ile551Val (NM_001384887.1); and 3 more; short protein forms I582V, I529V, I549V, I551V, I552V, I562V, I572V, I580V.
Identifiers: ClinVar variation 642183 (VCV000642183.5), dbSNP rs774306421, ClinGen allele CA2029816.